The following is an entry in ClinVar:

NM_015570.4(AUTS2):c.1733G>A (p.Ser578Asn)

Gene: AUTS2 (activator of transcription and developmental regulator AUTS2; plus strand). Cytogenetic location: 7q11.22.
Variant type: single nucleotide variant.
Coding change: c.1733G>A on transcript NM_015570.4 (MANE Select); coding-DNA position 1733, G replaced by A.
Protein change: p.Ser578Asn; replaces serine 578 with asparagine.
Molecular consequence: missense variant.
Genome position (GRCh38, 1-based): chr7:70,768,067, G>A. VCF-style: chr7-70768067-G-A. GRCh37 (hg19) VCF-style: chr7-70233053-G-A.
Other names: c.1733G>A (NM_015570.2); c.1733G>A, p.Ser578Asn (NM_001127231.3); short protein forms S578N.
Identifiers: ClinVar variation 2170601 (VCV002170601.6), dbSNP rs2129557712, ClinGen allele CA367669240.
Genomic context (GRCh38, chr7:70,768,067, plus strand): 5'-CTTTGATCCCTTTACAGTTTGACAAATACCCTACAAAAGTTGACCCATTCTACCGGCACA[G>A]TGTGAGTTTCATTACCATGCTACACATTGAATGTAACTGCTTTGCCATTTTTGTGCTCTT-3'
Protein context (NP_056385.1, residues 568-588): PTKVDPFYRH[Ser578Asn]LFHSYPPAVS

ClinVar aggregate classification (germline): Uncertain significance. Review status: criteria provided, multiple submitters, no conflicts (2 of 4 stars). 2 submissions from 2 submitters: Uncertain significance (2). Last evaluated 2025-01-31.

Allele frequency attached by ClinVar (database versions not stated): gnomAD exomes below 0.00001.
gnomAD v4.1: 4 of 1,602,722 alleles (0.00025%); highest among the groups gnomAD compares: Non-Finnish European, 0.00034%; no homozygotes.

Submissions (2):

GeneDx
Classification: Uncertain significance. Last evaluated: 2025-01-31. Review status: criteria provided, single submitter. Criteria: GeneDx Variant Classification Process June 2021. Collection method: clinical testing. Allele origin: germline. Affected: yes.
Comment: Not observed at significant frequency in large population cohorts (gnomAD); In silico analysis indicates that this missense variant does not alter protein structure/function; Has not been previously published as pathogenic or benign to our knowledge

Labcorp Genetics (formerly Invitae), Labcorp
Classification: Uncertain significance. Last evaluated: 2022-06-12. Review status: criteria provided, single submitter. Criteria: Invitae Variant Classification Sherloc (09022015). Collection method: clinical testing. Allele origin: germline.
Comment: In summary, the available evidence is currently insufficient to determine the role of this variant in disease. Therefore, it has been classified as a Variant of Uncertain Significance. Algorithms developed to predict the effect of sequence changes on RNA splicing suggest that this variant may create or strengthen a splice site. Algorithms developed to predict the effect of missense changes on protein structure and function are either unavailable or do not agree on the potential impact of this missense change (SIFT: "Tolerated"; PolyPhen-2: "Probably Damaging"; Align-GVGD: "Class C0"). This variant has not been reported in the literature in individuals affected with AUTS2-related conditions. This variant is not present in population databases (gnomAD no frequency). This sequence change replaces serine, which is neutral and polar, with asparagine, which is neutral and polar, at codon 578 of the AUTS2 protein (p.Ser578Asn).